The following is an entry in ClinVar:

NM_000038.6(APC):c.835-8A>G

Gene: APC (APC regulator of Wnt signaling pathway; plus strand). Cytogenetic location: 5q22.2.
Variant type: single nucleotide variant.
Coding change: c.835-8A>G on transcript NM_000038.6 (MANE Select); 8 bases into the intron before coding-DNA position 835, A replaced by G.
Molecular consequence: intron variant.
Genome position (GRCh38, 1-based): chr5:112,815,487, A>G. VCF-style: chr5-112815487-A-G. GRCh37 (hg19) VCF-style: chr5-112151184-A-G.
Other names: c.835-8A>G (NM_001354895.2, NM_001127510.3, NM_001354896.2 and 1 more transcripts); c.865-8A>G (NM_001354897.2, NM_001354902.2); c.781-8A>G (NM_001127511.3); c.760-8A>G (NM_001354898.2, NM_001354904.2); c.-15-8A>G (NM_001354906.2); c.751-8A>G (NM_001354899.2); c.658-8A>G (NM_001354900.2, NM_001354901.2, NM_001354905.2).
Identifiers: ClinVar variation 418007 (VCV000418007.21), dbSNP rs1064793022, ClinGen allele CA16618069.

ClinVar aggregate classification (germline): Likely pathogenic. Review status: reviewed by expert panel (3 of 4 stars). 5 submissions from 5 submitters: Likely pathogenic (1). 4 of the submissions do not count toward it. Last evaluated 2023-02-18.
ClinVar aggregate classification (oncogenicity): Likely oncogenic (1 of 4 stars; one submission).

Conditions:
Hereditary cancer-predisposing syndrome. Also called: Hereditary neoplastic syndrome; Tumor predisposition; Neoplastic Syndromes, Hereditary; Hereditary Cancer Syndrome. Identifiers: Orphanet 140162, MedGen C0027672, MeSH D009386, MONDO:0015356.
Familial adenomatous polyposis 1 (FAP1). Also called: FAMILIAL ADENOMATOUS POLYPOSIS 1, ATTENUATED; POLYPOSIS, ADENOMATOUS INTESTINAL. Identifiers: MedGen C2713442, MONDO:0021056, OMIM 175100. Disease mechanism: loss of function.
Neoplasm. Also called: Neoplasms; Neoplasm (disease); tumor. Identifiers: MedGen C0027651, MeSH D009369, MONDO:0005070, HP:0002664.

Submissions (6):

ClinGen InSiGHT Hereditary Colorectal Cancer/Polyposis Variant Curation Expert Panel
Classification: Likely pathogenic for Familial adenomatous polyposis 1. Last evaluated: 2023-02-18. Review status: reviewed by expert panel. Criteria: ClinGen InSiGHT HCCP VCEP ACMG Specifications APC V1. Collection method: curation. Allele origin: germline. Inheritance: Autosomal dominant inheritance.
Comment: The c.835-8A>G variant in APC is an intronic variant 8 nucleotides upstream of the splice acceptor site for exon 9. The results from more than 2 in silico splicing predictors (SpliceAI, MaxEntScan, VarSeak) indicate that this variant may affect splicing by disrupting the acceptor splice site of intron 8 of APC (PP3). RNA data from carrier blood demonstrated aberrant splicing leading to a frameshift (PS3_Moderate; PMID 20649969; PMID 21779980). This alteration was identified in multiple individuals with a personal and/or family history consistent with familial adenomatous polyposis (PS4_Moderate; PMID 20649969, PMID 21779988; Ambry and GeneDx Internal Data). This variant is absent from gnomAD v2.1.1 (PM2_supporting). In summary, this variant meets the criteria to be classified as Likely Pathogenic for FAP based on the ACMG/AMP criteria applied, as specified by the ClinGen InSiGHT Hereditary Colorectal Cancer/Polyposis Variant Curation Expert Panel: PS3_Moderate; PS4_Moderate; PM2_Supporting, PP3 (VCEP specifications version 1; date of approval 12/12/2022).

Center for Genomic Medicine, Rigshospitalet, Copenhagen University Hospital
Classification: Likely oncogenic for Neoplasm. Last evaluated: 2025-03-04. Review status: criteria provided, single submitter. Criteria: ClinGen/CGC/VICC Guidelines for Oncogenicity, 2022. Collection method: clinical testing. Allele origin: somatic. Affected: yes.

Ambry Genetics
Classification: Likely pathogenic for Hereditary cancer-predisposing syndrome. Last evaluated: 2024-07-03. Review status: criteria provided, single submitter. Criteria: Ambry Variant Classification Scheme 2023. Collection method: clinical testing. Allele origin: germline. Not counted in ClinVar's aggregate classification.
Comment: The c.835-8A>G intronic variant results from an A to G substitution 8 nucleotides upstream from coding exon 8 in the APC gene. This variant was reported in multiple individuals with features consistent with APC-associated polyposis conditions (Fostira F et al. BMC Cancer. 2010 Jul 22;10:389; Jarry J et al. Fam Cancer. 2011 Dec;10(4):659-65; Ambry internal data; external communication). This nucleotide position is well conserved in available vertebrate species. In silico splice site analysis predicts that this alteration will weaken the native splice acceptor site and may result in the creation or strengthening of a novel splice acceptor site. RNA studies in the literature have demonstrated aberrant splicing in association with this variant, resulting in a transcript with a frameshift and premature termination codon (Fostira F et al. BMC Cancer. 2010 Jul 22;10:389; Jarry J et al. Fam Cancer. 2011 Dec;10(4):659-65). This variant is considered to be rare based on population cohorts in the Genome Aggregation Database (gnomAD). Based on the majority of available evidence to date, this variant is likely to be pathogenic.

Myriad Genetics, Inc.
Classification: Likely pathogenic for Familial adenomatous polyposis 1. Last evaluated: 2023-04-27. Review status: criteria provided, single submitter. Criteria: Myriad Autosomal Dominant, Autosomal Recessive and X-Linked Classification Criteria (2023). Collection method: clinical testing. Allele origin: unknown. Not counted in ClinVar's aggregate classification.
Comment: This variant is considered likely pathogenic. mRNA analysis has demonstrated abnormal mRNA splicing occurs [PMID: 20649969, Myriad internal data].

Labcorp Genetics (formerly Invitae), Labcorp
Classification: Likely pathogenic for Familial adenomatous polyposis 1. Last evaluated: 2021-12-16. Review status: criteria provided, single submitter. Criteria: Invitae Variant Classification Sherloc (09022015). Collection method: clinical testing. Allele origin: germline. Not counted in ClinVar's aggregate classification.
Comment: Algorithms developed to predict the effect of sequence changes on RNA splicing suggest that this variant may disrupt the consensus splice site. In summary, the currently available evidence indicates that the variant is pathogenic, but additional data are needed to prove that conclusively. Therefore, this variant has been classified as Likely Pathogenic. ClinVar contains an entry for this variant (Variation ID: 418007). This variant has been observed in individuals with familial adenomatous polyposis (PMID: 20649969; Invitae). This variant is not present in population databases (gnomAD no frequency). This sequence change falls in intron 8 of the APC gene. It does not directly change the encoded amino acid sequence of the APC protein.

GeneDx
Classification: Pathogenic. Last evaluated: 2019-07-22. Review status: criteria provided, single submitter. Criteria: GeneDx Variant Classification Process June 2021. Collection method: clinical testing. Allele origin: germline. Affected: yes. Not counted in ClinVar's aggregate classification.
Comment: Non-canonical splice site variant demonstrated to result in loss-of-function (Fostira 2010, Jarry 2011); Not observed in large population cohorts (Lek 2016); Also known as IVS7-8A>G; This variant is associated with the following publications: (PMID: 20649969, 25525159, 23085758, 21779980, 26269718)

Literature cited by the submitters: PubMed 37800450 (cited by Ambry Genetics); PubMed 20649969 (cited by Myriad Genetics, Inc. and Labcorp Genetics (formerly Invitae), Labcorp).